The following is an entry in ClinVar:

NM_139119.3(YY1AP1):c.1202A>G (p.Lys401Arg)

Gene: YY1AP1 (YY1 associated protein 1; minus strand). Cytogenetic location: 1q22.
Variant type: single nucleotide variant.
Coding change: c.1202A>G on transcript NM_139119.3 (MANE Select); coding-DNA position 1202, A replaced by G.
Protein change: p.Lys401Arg; replaces lysine 401 with arginine.
Molecular consequence: missense variant. On other transcripts: 3 prime UTR variant (1).
Genome position (GRCh38, 1-based): chr1:155,660,708, T>C on the plus strand (A>G on the coding strand, the complement: YY1AP1 is on the minus strand). VCF-style: chr1-155660708-T-C. GRCh37 (hg19) VCF-style: chr1-155630499-T-C.
Other names: c.1169A>G, p.Lys390Arg (NM_001198899.2, NM_001198900.2, NM_018253.4); c.1202A>G, p.Lys401Arg (NM_001198901.2, NM_001198902.2); c.1616A>G, p.Lys539Arg (NM_001198903.1); c.1556A>G, p.Lys519Arg (NM_001198904.1); c.1142A>G, p.Lys381Arg (NM_001198905.2); c.*145A>G (NM_001198906.2); c.1340A>G, p.Lys447Arg (NM_139118.3); c.1004A>G, p.Lys335Arg (NM_139121.3); short protein forms K381R, K390R, K401R, K519R, K447R, K335R, K539R.
Identifiers: ClinVar variation 710876 (VCV000710876.10), dbSNP rs138828274, ClinGen allele CA1148549.

ClinVar aggregate classification (germline): Likely benign. Review status: criteria provided, multiple submitters, no conflicts (2 of 4 stars). 4 submissions from 4 submitters: Likely benign (3). 1 of the submissions does not count toward it. Last evaluated 2021-12-07.

Conditions:
YY1AP1-related disorder. Also called: YY1AP1-related condition.
Inborn genetic diseases. Identifiers: MedGen C0950123, MeSH D030342.

Allele frequency attached by ClinVar (database versions not stated): gnomAD exomes 0.00012; 1000 Genomes Project 0.00140; 1000 Genomes Project 30x 0.00141; gnomAD 0.00165 and 0.00177; TOPMed 0.00182; ESP Exome Variant Server 0.00185.

Submissions (4):

Ambry Genetics
Classification: Likely benign for Inborn genetic diseases. Last evaluated: 2021-12-07. Review status: criteria provided, single submitter. Criteria: Ambry Variant Classification Scheme 2023. Collection method: clinical testing. Allele origin: germline.

Labcorp Genetics (formerly Invitae), Labcorp
Classification: Likely benign. Last evaluated: 2019-12-31. Review status: criteria provided, single submitter. Criteria: Invitae Variant Classification Sherloc (09022015). Collection method: clinical testing. Allele origin: germline.

Breakthrough Genomics
Classification: Likely benign. Review status: criteria provided, single submitter. Criteria: ACMG Guidelines, 2015. Collection method: not provided. Allele origin: germline. Inheritance: Autosomal recessive inheritance. Affected: yes.

PreventionGenetics, part of Exact Sciences
Classification: Likely benign for YY1AP1-related condition. Last evaluated: 2022-02-09. Review status: no assertion criteria provided. Collection method: clinical testing. Allele origin: germline. Not counted in ClinVar's aggregate classification.
Comment: This variant is classified as likely benign based on ACMG/AMP sequence variant interpretation guidelines (Richards et al. 2015 PMID: 25741868, with internal and published modifications).